The following is an entry in ClinVar:

NM_001267550.2(TTN):c.22386T>A (p.Asp7462Glu)

Gene: TTN (titin; minus strand). Cytogenetic location: 2q31.2.
Variant type: single nucleotide variant.
Coding change: c.22386T>A on transcript NM_001267550.2 (MANE Select); coding-DNA position 22386, T replaced by A.
Protein change: p.Asp7462Glu; replaces aspartic acid 7462 with glutamic acid.
Molecular consequence: missense variant. On other transcripts: intron variant (3).
Genome position (GRCh38, 1-based): chr2:178,722,401, A>T on the plus strand (T>A on the coding strand, the complement: TTN is on the minus strand). VCF-style: chr2-178722401-A-T. GRCh37 (hg19) VCF-style: chr2-179587128-A-T.
Other names: p.D7145E:GAT>GAA; c.13282+15681T>A (NM_003319.4); c.13858+15681T>A (NM_133437.4); c.13657+15681T>A (NM_133432.3); c.21435T>A, p.Asp7145Glu (NM_001256850.1); c.18654T>A, p.Asp6218Glu (NM_133378.4); short protein forms D7462E, D6218E, D7145E.
Identifiers: ClinVar variation 46699 (VCV000046699.30), dbSNP rs183482849, ClinGen allele CA138994.

ClinVar aggregate classification (germline): Conflicting classifications of pathogenicity. Review status: criteria provided, conflicting classifications (1 of 4 stars). 18 submissions from 14 submitters: Uncertain significance (10); Benign (2); Likely benign (3). 3 of the submissions do not count toward it. Last evaluated 2026-05-09.

Conditions:
TTN-related disorder. Also called: TTN-related condition; TTN-related disease; TTN-related disorders.
Autosomal recessive limb-girdle muscular dystrophy type 2J (LGMDR10). Also called: Limb-girdle muscular dystrophy, type 2J; MUSCULAR DYSTROPHY, LIMB-GIRDLE, AUTOSOMAL RECESSIVE 10. Identifiers: Orphanet 140922, MedGen C1837342, MONDO:0012127, OMIM 608807.
Dilated cardiomyopathy 1G (CMD1G). Identifiers: Orphanet 154, MedGen C1858763, MONDO:0011400, OMIM 604145.
Cardiomyopathy (CMYO). Also called: Cardiomyopathies. Identifiers: Orphanet 167848, MedGen C0878544, MONDO:0004994, HP:0001638. Inheritance: Various modes of inheritance.
Early-onset myopathy with fatal cardiomyopathy (CMYO5). Also called: Salih Myopathy; CONGENITAL MYOPATHY 5 WITH CARDIOMYOPATHY. Identifiers: Orphanet 289377, MedGen C2673677, MONDO:0012714, OMIM 611705. Disease mechanism: loss of function.
Myopathy, myofibrillar, 9, with early respiratory failure (MFM9). Also called: Hereditary myopathy with early respiratory failure; EDSTROM MYOPATHY; MYOPATHY, PROXIMAL, WITH EARLY RESPIRATORY MUSCLE INVOLVEMENT; Myopathy, distal, with early respiratory failure, autosomal dominant. Identifiers: Orphanet 178464, Orphanet 34521, MedGen C1863599, MONDO:0011362, OMIM 603689.
Tibial muscular dystrophy (TMD). Also called: Tibial muscular dystrophy, tardive; UDD MYOPATHY; Udd Distal Myopathy – Tibial Muscular Dystrophy. Identifiers: Orphanet 609, MedGen C1838244, MONDO:0010870, OMIM 600334.

Allele frequency attached by ClinVar (database versions not stated): gnomAD 0.00004 and 0.00005; TOPMed 0.00007; ESP Exome Variant Server 0.00008; 1000 Genomes Project 0.00020; 1000 Genomes Project 30x 0.00047.
gnomAD v4.1: 128 of 1,613,432 alleles (0.0079%); highest among the groups gnomAD compares: Non-Finnish European, 0.0095%; no homozygotes.

Submissions (18):

PreventionGenetics, part of Exact Sciences
Classification: Uncertain significance for TTN-related condition. Last evaluated: 2026-05-09. Review status: criteria provided, single submitter. Criteria: ACMG Guidelines, 2015. Collection method: clinical testing. Allele origin: germline.
Comment: The TTN c.22386T>A variant is predicted to result in the amino acid substitution p.Asp7462Glu. This variant has been reported in individuals with restrictive cardiomyopathy or hypertrophic cardiomyopathy; however, no additional studies were performed to help assess the pathogenicity of this variant (Table S3, Kostareva et al. 2016. PubMed ID: 27662471; Micheu et al. 2020. PubMed ID: 33297573). This variant is reported in 0.023% of alleles in individuals of European (Non-Finnish) descent in gnomAD and has conflicting interpretations of pathogenicity in ClinVar ranging from benign to uncertain (Variation ID: 46699). At this time, the clinical significance of this variant is uncertain due to the absence of conclusive functional and genetic evidence.

Mayo Clinic Laboratories, Mayo Clinic
Classification: Uncertain significance. Last evaluated: 2025-10-22. Review status: criteria provided, single submitter. Criteria: ACMG Guidelines, 2015. Collection method: clinical testing. Allele origin: germline. Observed: 3 variant alleles.

Molecular Diagnostic Laboratory for Inherited Cardiovascular Disease, Montreal Heart Institute
Classification: Likely benign. Last evaluated: 2025-04-09. Review status: criteria provided, single submitter. Criteria: ACMG Guidelines, 2015. Collection method: clinical testing. Allele origin: germline. Affected: no.

Blueprint Genetics
Classification: Likely benign. Last evaluated: 2024-09-02. Review status: criteria provided, single submitter. Criteria: ACMG Guidelines, 2015. Collection method: clinical testing. Allele origin: germline.

Revvity Omics, Revvity
Classification: Uncertain significance. Last evaluated: 2024-03-18. Review status: criteria provided, single submitter. Criteria: ACMG Guidelines, 2015. Collection method: clinical testing. Allele origin: germline.

CHEO Genetics Diagnostic Laboratory, Children's Hospital of Eastern Ontario
Classification: Uncertain significance for Cardiomyopathy. Last evaluated: 2021-10-26. Review status: criteria provided, single submitter. Criteria: ACMG Guidelines, 2015. Collection method: clinical testing. Allele origin: germline.

Women's Health and Genetics/Laboratory Corporation of America, LabCorp
Classification: Uncertain significance. Last evaluated: 2021-10-11. Review status: criteria provided, single submitter. Criteria: LabCorp Variant Classification Summary - May 2015. Collection method: clinical testing. Allele origin: germline.
Comment: Variant summary: TTN c.18654T>A (p.Asp6218Glu) results in a conservative amino acid change located in the I-band domain of the encoded protein sequence. Three of four in-silico tools predict a benign effect of the variant on protein function. The variant allele was found at a frequency of 0.00012 in 248042 control chromosomes. This frequency is not significantly higher than expected for a pathogenic variant in TTN causing Dilated Cardiomyopathy (0.00012 vs 0.00039), allowing no conclusion about variant significance. c.18654T>A has been reported in the literature in individuals affected with Cardiomyopathy, without strong evidence for causality (ie. Kostareva_2016, Mucheu_2020). These reports do not provide unequivocal conclusions about association of the variant with Dilated Cardiomyopathy. To our knowledge, no experimental evidence demonstrating an impact on protein function has been reported. Five clinical diagnostic laboratories have submitted clinical-significance assessments for this variant to ClinVar after 2014 without evidence for independent evaluation; two classified as benign/likely benign while three classified as VUS. Based on the evidence outlined above, the variant was classified as uncertain significance.

Labcorp Genetics (formerly Invitae), Labcorp
Classification: Uncertain significance for Dilated cardiomyopathy 1G; Autosomal recessive limb-girdle muscular dystrophy type 2J. Last evaluated: 2019-07-24. Review status: criteria provided, single submitter. Criteria: Invitae Variant Classification Sherloc (09022015). Collection method: clinical testing. Allele origin: germline.
Comment: This sequence change replaces aspartic acid with glutamic acid at codon 7462 of the TTN protein (p.Asp7462Glu). There is a small physicochemical difference between aspartic acid and glutamic acid. This variant is present in population databases (rs183482849, ExAC 0.02%). This variant has been reported in individuals in the Leiden Open-source Variation Database (PMID: 21520333). ClinVar contains an entry for this variant (Variation ID: 46699). This variant is located in the I band of TTN (PMID: 25589632). Variants in this region may be relevant for neuromuscular disorders, but have not been definitively shown to cause cardiomyopathy (PMID: 23975875). Algorithms developed to predict the effect of missense changes on protein structure and function are unavailable for the TTN gene. In summary, the available evidence is currently insufficient to determine the role of this variant in disease. Therefore, it has been classified as a Variant of Uncertain Significance.

GeneDx
Classification: Likely benign. Last evaluated: 2018-08-31. Review status: criteria provided, single submitter. Criteria: GeneDx Variant Classification Process June 2021. Collection method: clinical testing. Allele origin: germline. Affected: yes.
Comment: This variant is associated with the following publications: (PMID: 24503780)

Illumina Laboratory Services, Illumina
Classification: Uncertain significance for Autosomal recessive limb-girdle muscular dystrophy type 2J. Last evaluated: 2018-01-13. Review status: criteria provided, single submitter. Criteria: ICSL Variant Classification Criteria 13 December 2019. Collection method: clinical testing. Allele origin: germline.

Illumina Laboratory Services, Illumina
Classification: Uncertain significance for Dilated cardiomyopathy 1G. Last evaluated: 2018-01-13. Review status: criteria provided, single submitter. Criteria: ICSL Variant Classification Criteria 13 December 2019. Collection method: clinical testing. Allele origin: germline.

Illumina Laboratory Services, Illumina
Classification: Uncertain significance for Early-onset myopathy with fatal cardiomyopathy. Last evaluated: 2018-01-13. Review status: criteria provided, single submitter. Criteria: ICSL Variant Classification Criteria 13 December 2019. Collection method: clinical testing. Allele origin: germline.

Illumina Laboratory Services, Illumina
Classification: Benign for Myopathy, myofibrillar, 9, with early respiratory failure. Last evaluated: 2018-01-13. Review status: criteria provided, single submitter. Criteria: ICSL Variant Classification Criteria 13 December 2019. Collection method: clinical testing. Allele origin: germline.
Comment: This variant was observed in the ICSL laboratory as part of a predisposition screen in an ostensibly healthy population. It had not been previously curated by ICSL or reported in the Human Gene Mutation Database (HGMD: prior to June 1st, 2018), and was therefore a candidate for classification through an automated scoring system. Utilizing variant allele frequency, disease prevalence and penetrance estimates, and inheritance mode, an automated score was calculated to assess if this variant is too frequent to cause the disease. Based on the score and internal cut-off values, a variant classified as benign is not then subjected to further curation. The score for this variant resulted in a classification of benign for this disease.

Illumina Laboratory Services, Illumina
Classification: Benign for Tibial muscular dystrophy. Last evaluated: 2018-01-13. Review status: criteria provided, single submitter. Criteria: ICSL Variant Classification Criteria 13 December 2019. Collection method: clinical testing. Allele origin: germline.
Comment: the same text as in the submission from Illumina Laboratory Services, Illumina above.

Laboratory for Molecular Medicine, Mass General Brigham Personalized Medicine
Classification: Uncertain significance. Last evaluated: 2014-11-11. Review status: criteria provided, single submitter. Criteria: LMM Criteria. Collection method: clinical testing. Allele origin: germline. Observed: 2 variant alleles.
Comment: In addition , this variant has been identified in 1/8218 European American chromosomes by th e NHLBI Exome Sequencing Project and in 1/12 8 Mexican chromosomes by the 1000 Genomes Project (dbSNP rs183482849). Computati onal prediction tools and conservation analysis do not provide strong support fo r or against an impact to the protein. In summary, the clinical significance of the p.Asp6218Glu variant is uncertain.

Clinical Genetics, Academic Medical Center
Classification: Uncertain significance. Review status: no assertion criteria provided. Collection method: clinical testing. Allele origin: germline. Affected: yes. Study: VKGL Data-share Consensus. Not counted in ClinVar's aggregate classification.

Genome Diagnostics Laboratory, Amsterdam University Medical Center
Classification: Uncertain significance. Review status: no assertion criteria provided. Collection method: clinical testing. Allele origin: germline. Affected: yes. Study: VKGL Data-share Consensus. Not counted in ClinVar's aggregate classification.

Laboratory of Diagnostic Genome Analysis, Leiden University Medical Center (LUMC)
Classification: Uncertain significance. Review status: no assertion criteria provided. Collection method: clinical testing. Allele origin: germline. Affected: yes. Study: VKGL Data-share Consensus. Not counted in ClinVar's aggregate classification.

Literature cited by the submitters: PubMed 24503780 (cited by Mayo Clinic Laboratories, Mayo Clinic and Laboratory for Molecular Medicine, Mass General Brigham Personalized Medicine); PubMed 33297573 (cited by Mayo Clinic Laboratories, Mayo Clinic and Women's Health and Genetics/Laboratory Corporation of America, LabCorp); PubMed 27662471 (cited by Women's Health and Genetics/Laboratory Corporation of America, LabCorp); PubMed 21520333 (cited by Labcorp Genetics (formerly Invitae), Labcorp); PubMed 25589632 (cited by Labcorp Genetics (formerly Invitae), Labcorp); PubMed 23975875 (cited by Labcorp Genetics (formerly Invitae), Labcorp).